The following is an entry in ClinVar:

NM_000548.5(TSC2):c.2097+7G>C

Gene: TSC2 (TSC complex subunit 2; plus strand). Cytogenetic location: 16p13.3.
Variant type: single nucleotide variant.
Coding change: c.2097+7G>C on transcript NM_000548.5 (MANE Select); 7 bases into the intron after coding-DNA position 2097, G replaced by C.
Molecular consequence: intron variant.
Genome position (GRCh38, 1-based): chr16:2,071,941, G>C. VCF-style: chr16-2071941-G-C. GRCh37 (hg19) VCF-style: chr16-2121942-G-C.
Other names: c.2097+7G>C (NM_001370404.1, NM_001077183.3, NM_001114382.3 and 3 more transcripts); c.1986+7G>C (NM_001318827.2); c.1497+7G>C (NM_001318831.2); c.1950+7G>C (NM_001318829.2); c.2130+7G>C (NM_001318832.2).
Identifiers: ClinVar variation 1085977 (VCV001085977.10), dbSNP rs1280828990, ClinGen allele CA620704844.

ClinVar aggregate classification (germline): Likely benign. Review status: criteria provided, multiple submitters, no conflicts (2 of 4 stars). 2 submissions from 2 submitters: Likely benign (2). Last evaluated 2025-05-19.

Conditions:
Tuberous sclerosis 2 (TSC2). Identifiers: Orphanet 805, MedGen C1860707, MONDO:0013199, OMIM 613254.

Allele frequency attached by ClinVar (database versions not stated): gnomAD exomes 0.00001.
gnomAD v4.1: 3 of 1,569,392 alleles (0.00019%); highest among the groups gnomAD compares: Admixed American, 0.0037%; no homozygotes.

Submissions (2):

Myriad Genetics, Inc.
Classification: Likely benign for Tuberous sclerosis 2. Last evaluated: 2025-05-19. Review status: criteria provided, single submitter. Criteria: Myriad Autosomal Dominant, Autosomal Recessive and X-Linked Classification Criteria (2023). Collection method: clinical testing. Allele origin: unknown.
Comment: This variant is considered likely benign. This variant is intronic and is not expected to impact mRNA splicing.

Labcorp Genetics (formerly Invitae), Labcorp
Classification: Likely benign for Tuberous sclerosis 2. Last evaluated: 2023-12-01. Review status: criteria provided, single submitter. Criteria: Invitae Variant Classification Sherloc (09022015). Collection method: clinical testing. Allele origin: germline.